The following is an entry in ClinVar:

ClinVar aggregate classification (germline): Uncertain significance (1 of 4 stars; one submission).

Conditions:
Charcot-Marie-Tooth disease axonal type 2C (HMSN2C). Also called: CHARCOT-MARIE-TOOTH DISEASE, AXONAL, AUTOSOMAL DOMINANT, TYPE 2C; Charcot-Marie-Tooth Neuropathy Type 2C; Charcot-Marie-Tooth Disease Type 2, TRPV4-Related (CMT2C). Identifiers: Orphanet 99937, MedGen C1853710, MONDO:0011633, OMIM 606071.

Submission:

Labcorp Genetics (formerly Invitae), Labcorp
Classification: Uncertain significance for Charcot-Marie-Tooth disease axonal type 2C. Last evaluated: 2024-04-02. Review status: criteria provided, single submitter. Criteria: Invitae Variant Classification Sherloc (09022015). Collection method: clinical testing. Allele origin: germline.
Comment: This variant, c.377_379del, results in the deletion of 1 amino acid(s) of the TRPV4 protein (p.Lys126del), but otherwise preserves the integrity of the reading frame. This variant is not present in population databases (gnomAD no frequency). This variant has not been reported in the literature in individuals affected with TRPV4-related conditions. Experimental studies and prediction algorithms are not available or were not evaluated, and the functional significance of this variant is currently unknown. In summary, the available evidence is currently insufficient to determine the role of this variant in disease. Therefore, it has been classified as a Variant of Uncertain Significance.

NM_021625.5(TRPV4):c.374AGA[1] (p.Lys126del)

Gene: TRPV4 (transient receptor potential cation channel subfamily V member 4; minus strand). Cytogenetic location: 12q24.11.
Variant type: Microsatellite.
Coding change: c.374AGA[1] on transcript NM_021625.5 (MANE Select); one copy of the 3-base unit AGA starting at c.374; the reference has two copies in a row; one copy, 3 bases deleted.
Protein change: p.Lys126del; deletes lysine 126.
Molecular consequence: inframe indel (on NM_001177428.2).
Genome position (GRCh38, 1-based): chr12:109,814,418-109,814,420, TCT deleted on the plus strand (AGA on the coding strand, the reverse complement: TRPV4 is on the minus strand); deleting any 3 consecutive bases within chr12:109,814,418-109,814,425 gives the same sequence; the position shown is the placement nearest the transcript's 3' end. VCF-style (leftmost placement, unchanged base first): chr12-109814417-ATCT-A. GRCh37 (hg19) VCF-style: chr12-110252222-ATCT-A.
Other names: c.372_374GAA[1], p.Lys126del (NM_001177428.2, NM_001177433.2, NM_147204.3); c.270_272GAA[1], p.Lys92del (NM_001177431.2); short protein forms K126del, K92del.
Identifiers: ClinVar variation 2981019 (VCV002981019.3), dbSNP rs1385840781, ClinGen allele CA683436379.